The following is an entry in ClinVar:

NM_002168.4(IDH2):c.98A>G (p.Glu33Gly)

Genes: IDH2 (isocitrate dehydrogenase (NADP(+)) 2; minus strand), IDH2-DT (IDH2 divergent transcript; plus strand). Cytogenetic location: 15q26.1.
Variant type: single nucleotide variant.
Coding change: c.98A>G on transcript NM_002168.4 (MANE Select); coding-DNA position 98, A replaced by G.
Protein change: p.Glu33Gly; replaces glutamic acid 33 with glycine.
Molecular consequence: missense variant. On other transcripts: non-coding transcript variant (1), 5 prime UTR variant (1).
Genome position (GRCh38, 1-based): chr15:90,102,293, T>C on the plus strand (A>G on the coding strand, the complement: IDH2 is on the minus strand). VCF-style: chr15-90102293-T-C. GRCh37 (hg19) VCF-style: chr15-90645525-T-C.
Other names: c.-35A>G (NM_001290114.2); short protein forms E33G.
Identifiers: ClinVar variation 1305337 (VCV001305337.3), dbSNP rs2151557992, ClinGen allele CA393803488.
Genomic context (GRCh38, chr15:90,102,293, plus strand): 5'-GCTGGGGGCGCGCGCCTGCCTGGACCCTCCGCGCGGCACTCACAGTGGCGCCGCGGCTGC[T>C]CTTGCGAGGTGGGGGCTGTCAGGGCCGCCGGCGCCCAGGCCGGCCGCGAGCCTGAGGCTC-3'
Protein context (NP_002159.2, residues 23-43): PAALTAPTSQ[Glu33Gly]QPRRHYADKR

ClinVar aggregate classification (germline): Uncertain significance (1 of 4 stars; one submission).

Submission:

GeneDx
Classification: Uncertain significance. Last evaluated: 2024-04-02. Review status: criteria provided, single submitter. Criteria: GeneDx Variant Classification Process June 2021. Collection method: clinical testing. Allele origin: germline. Affected: yes.
Comment: Not observed at significant frequency in large population cohorts (gnomAD); In silico analysis supports that this missense variant does not alter protein structure/function; Has not been previously published as pathogenic or benign to our knowledge